The following is an entry in ClinVar:

NM_001256789.3(CACNA1F):c.1537C>T (p.Arg513Trp)

Gene: CACNA1F (calcium voltage-gated channel subunit alpha1 F; minus strand). Cytogenetic location: Xp11.23.
Variant type: single nucleotide variant.
Coding change: c.1537C>T on transcript NM_001256789.3 (MANE Select); coding-DNA position 1537, C replaced by T.
Protein change: p.Arg513Trp; replaces arginine 513 with tryptophan.
Molecular consequence: missense variant.
Genome position (GRCh38, 1-based): chrX:49,226,023, G>A on the plus strand (C>T on the coding strand, the complement: CACNA1F is on the minus strand). VCF-style: chrX-49226023-G-A. GRCh37 (hg19) VCF-style: chrX-49082485-G-A.
Other names: c.1375C>T, p.Arg459Trp (NM_001256790.3); c.1570C>T, p.Arg524Trp (NM_005183.4); c.1570C>T (NM_005183.2); short protein forms R459W, R513W, R524W.
Identifiers: ClinVar variation 1509657 (VCV001509657.9), dbSNP rs142532762, ClinGen allele CA10410829.

ClinVar aggregate classification (germline): Uncertain significance. Review status: criteria provided, multiple submitters, no conflicts (2 of 4 stars). 2 submissions from 2 submitters: Uncertain significance (2). Last evaluated 2022-09-22.

Conditions:
Inborn genetic diseases. Identifiers: MedGen C0950123, MeSH D030342.

Allele frequency attached by ClinVar (database versions not stated): TOPMed 0.00006; ExAC 0.00009; gnomAD 0.00009 and 0.00012; ESP Exome Variant Server 0.00019.

Submissions (2):

Ambry Genetics
Classification: Uncertain significance for Inborn genetic diseases. Last evaluated: 2022-09-22. Review status: criteria provided, single submitter. Criteria: Ambry Variant Classification Scheme 2023. Collection method: clinical testing. Allele origin: germline.

Labcorp Genetics (formerly Invitae), Labcorp
Classification: Uncertain significance. Last evaluated: 2022-05-16. Review status: criteria provided, single submitter. Criteria: Invitae Variant Classification Sherloc (09022015). Collection method: clinical testing. Allele origin: germline.
Comment: This sequence change replaces arginine, which is basic and polar, with tryptophan, which is neutral and slightly polar, at codon 524 of the CACNA1F protein (p.Arg524Trp). The frequency data for this variant in the population databases is considered unreliable, as metrics indicate poor data quality at this position in the gnomAD database. In summary, the available evidence is currently insufficient to determine the role of this variant in disease. Therefore, it has been classified as a Variant of Uncertain Significance. Algorithms developed to predict the effect of sequence changes on RNA splicing suggest that this variant may disrupt the consensus splice site. Advanced modeling of protein sequence and biophysical properties (such as structural, functional, and spatial information, amino acid conservation, physicochemical variation, residue mobility, and thermodynamic stability) performed at Invitae indicates that this missense variant is expected to disrupt CACNA1F protein function. This variant has not been reported in the literature in individuals affected with CACNA1F-related conditions.